The following is an entry in ClinVar:

ClinVar aggregate classification (germline): Uncertain significance (1 of 4 stars; one submission).

Submission:

Labcorp Genetics (formerly Invitae), Labcorp
Classification: Uncertain significance. Last evaluated: 2024-04-18. Review status: criteria provided, single submitter. Criteria: Invitae Variant Classification Sherloc (09022015). Collection method: clinical testing. Allele origin: germline.
Comment: This sequence change replaces lysine, which is basic and polar, with asparagine, which is neutral and polar, at codon 514 of the TOPORS protein (p.Lys514Asn). This variant is not present in population databases (gnomAD no frequency). This variant has not been reported in the literature in individuals affected with TOPORS-related conditions. An algorithm developed to predict the effect of missense changes on protein structure and function (PolyPhen-2) suggests that this variant is likely to be disruptive. In summary, the available evidence is currently insufficient to determine the role of this variant in disease. Therefore, it has been classified as a Variant of Uncertain Significance.

NM_005802.5(TOPORS):c.1542G>T (p.Lys514Asn)

Gene: TOPORS (TOP1 binding arginine/serine rich protein, E3 ubiquitin ligase; minus strand). Cytogenetic location: 9p21.1.
Variant type: single nucleotide variant.
Coding change: c.1542G>T on transcript NM_005802.5 (MANE Select); coding-DNA position 1542, G replaced by T.
Protein change: p.Lys514Asn; replaces lysine 514 with asparagine.
Molecular consequence: missense variant.
Genome position (GRCh38, 1-based): chr9:32,542,983, C>A on the plus strand (G>T on the coding strand, the complement: TOPORS is on the minus strand). VCF-style: chr9-32542983-C-A. GRCh37 (hg19) VCF-style: chr9-32542981-C-A.
Other names: c.1347G>T, p.Lys449Asn (NM_001195622.2); short protein forms K449N, K514N.
Identifiers: ClinVar variation 3608424 (VCV003608424.2).